The following is an entry in ClinVar:

NM_001042492.3(NF1):c.5676A>C (p.Leu1892Phe)

Gene: NF1 (neurofibromin 1; plus strand). Cytogenetic location: 17q11.2.
Variant type: single nucleotide variant.
Coding change: c.5676A>C on transcript NM_001042492.3 (MANE Select); coding-DNA position 5676, A replaced by C.
Protein change: p.Leu1892Phe; replaces leucine 1892 with phenylalanine.
Molecular consequence: missense variant.
Genome position (GRCh38, 1-based): chr17:31,330,362, A>C. VCF-style: chr17-31330362-A-C. GRCh37 (hg19) VCF-style: chr17-29657380-A-C.
Other names: c.5613A>C, p.Leu1871Phe (NM_000267.4); short protein forms L1871F, L1892F.
Identifiers: ClinVar variation 547665 (VCV000547665.8), dbSNP rs876658130, ClinGen allele CA399010233.

ClinVar aggregate classification (germline): Uncertain significance. Review status: criteria provided, multiple submitters, no conflicts (2 of 4 stars). 4 submissions from 4 submitters: Uncertain significance (4). Last evaluated 2023-09-29.

Conditions:
Neurofibromatosis, type 1 (NF1). Also called: NEUROFIBROMATOSIS, TYPE I, SOMATIC; VON RECKLINGHAUSEN DISEASE; Peripheral type neurofibromatosis; Neurofibromatosis, type I. Identifiers: Orphanet 636, MedGen C0027831, MONDO:0018975, OMIM 162200. Disease mechanism: loss of function.

Submissions (4):

Labcorp Genetics (formerly Invitae), Labcorp
Classification: Uncertain significance for Neurofibromatosis, type 1. Last evaluated: 2023-09-29. Review status: criteria provided, single submitter. Criteria: Invitae Variant Classification Sherloc (09022015). Collection method: clinical testing. Allele origin: germline.
Comment: In summary, the available evidence is currently insufficient to determine the role of this variant in disease. Therefore, it has been classified as a Variant of Uncertain Significance. Advanced modeling of protein sequence and biophysical properties (such as structural, functional, and spatial information, amino acid conservation, physicochemical variation, residue mobility, and thermodynamic stability) performed at Invitae indicates that this missense variant is expected to disrupt NF1 protein function. ClinVar contains an entry for this variant (Variation ID: 547665). This missense change has been observed in individual(s) with clinical features of neurofibromatosis type 1 (PMID: 25541118). This variant is not present in population databases (gnomAD no frequency). This sequence change replaces leucine, which is neutral and non-polar, with phenylalanine, which is neutral and non-polar, at codon 1871 of the NF1 protein (p.Leu1871Phe).

Genome-Nilou Lab
Classification: Uncertain significance for Neurofibromatosis, type 1. Last evaluated: 2022-03-15. Review status: criteria provided, single submitter. Criteria: ACMG Guidelines, 2015. Collection method: clinical testing. Allele origin: germline. Affected: no.

GeneDx
Classification: Uncertain significance. Last evaluated: 2021-01-11. Review status: criteria provided, single submitter. Criteria: GeneDx Variant Classification Process June 2021. Collection method: clinical testing. Allele origin: germline. Affected: yes.
Comment: Not observed in large population cohorts (Lek et al., 2016); In silico analysis supports that this missense variant has a deleterious effect on protein structure/function; Observed in individuals with clinically diagnosed or suspected neurofibromatosis type 1 (Valero et al., 2011; Duat Rodriguez et al., 2015); This variant is associated with the following publications: (PMID: 25541118, 21354044)

Center for Human Genetics, Inc
Classification: Uncertain significance for Neurofibromatosis, type 1. Last evaluated: 2016-11-01. Review status: criteria provided, single submitter. Criteria: ACMG Guidelines, 2015. Collection method: clinical testing. Allele origin: germline. Affected: yes.

Literature cited by the submitters: PubMed 25541118 (cited by Labcorp Genetics (formerly Invitae), Labcorp).